The following is an entry in ClinVar:

NM_000077.5(CDKN2A):c.184C>G (p.Leu62Val)

Gene: CDKN2A (cyclin dependent kinase inhibitor 2A; minus strand). Cytogenetic location: 9p21.3.
Variant type: single nucleotide variant.
Coding change: c.184C>G on transcript NM_000077.5; coding-DNA position 184, C replaced by G.
Protein change: p.Leu62Val; replaces leucine 62 with valine.
Molecular consequence: missense variant (on NM_000077.6). On other transcripts: 3 prime UTR variant (1).
Genome position (GRCh38, 1-based): chr9:21,971,175, G>C on the plus strand (C>G on the coding strand, the complement: CDKN2A is on the minus strand). VCF-style: chr9-21971175-G-C. GRCh37 (hg19) VCF-style: chr9-21971174-G-C.
Other names: c.184C>G, p.Leu62Val (NM_000077.6, NM_001195132.2); c.31C>G, p.Leu11Val (NM_001363763.2); c.227C>G, p.Ala76Gly (NM_058195.4); c.*107C>G (NM_058197.5); short protein forms L11V, A76G, L62V.
Identifiers: ClinVar variation 969307 (VCV000969307.13), dbSNP rs1819722375, ClinGen allele CA373086384.

ClinVar aggregate classification (germline): Uncertain significance. Review status: criteria provided, multiple submitters, no conflicts (2 of 4 stars). 2 submissions from 2 submitters: Uncertain significance (2). Last evaluated 2025-11-26.

Conditions:
Familial melanoma. Also called: Hereditary melanoma; Hereditary cutaneous melanoma. Identifiers: Orphanet 618, MedGen C1512419, MONDO:0018961.
Hereditary cancer-predisposing syndrome. Also called: Hereditary Cancer Syndrome; Tumor predisposition; Neoplastic Syndromes, Hereditary; Hereditary neoplastic syndrome. Identifiers: Orphanet 140162, MedGen C0027672, MeSH D009386, MONDO:0015356.

Allele frequency attached by ClinVar (database versions not stated): gnomAD 0.00001.
gnomAD v4.1: 1 of 1,595,912 alleles (0.000063%); highest among the groups gnomAD compares: Non-Finnish European, 0.000085%; no homozygotes.

Submissions (2):

Ambry Genetics
Classification: Uncertain significance for Hereditary cancer-predisposing syndrome. Last evaluated: 2025-11-26. Review status: criteria provided, single submitter. Criteria: Ambry Variant Classification Scheme 2023. Collection method: clinical testing. Allele origin: germline.
Comment: The p.L62V variant (also known as c.184C>G), located in coding exon 2 of the CDKN2A gene, results from a C to G substitution at nucleotide position 184. The leucine at codon 62 is replaced by valine, an amino acid with highly similar properties. Of note, this variant is also known as c.227C>G (p.Ala76Gly) in the CDKN2A p14(ARF) transcript. This amino acid position is highly conserved in available vertebrate species. In addition, the in silico prediction for this alteration is inconclusive. Based on the available evidence, the clinical significance of this variant remains unclear.

Labcorp Genetics (formerly Invitae), Labcorp
Classification: Uncertain significance for Familial melanoma. Last evaluated: 2024-04-10. Review status: criteria provided, single submitter. Criteria: Invitae Variant Classification Sherloc (09022015). Collection method: clinical testing. Allele origin: germline.
Comment: The CDKN2A gene encodes two different proteins, p16INK4a and p14ARF, which are translated from alternative transcripts with different open reading frames. Both transcripts have been analyzed. We report either the variant with the higher classification or default to the CDKN2A (p16INK4a) variant. This report therefore includes the details for the CDKN2A (p16INK4a) variant. This sequence change replaces leucine, which is neutral and non-polar, with valine, which is neutral and non-polar, at codon 62 of the CDKN2A (p16INK4a) protein (p.Leu62Val). This variant is not present in population databases (gnomAD no frequency). This variant has not been reported in the literature in individuals affected with CDKN2A (p16INK4a)-related conditions. This variant is also known as c.227C>G (p.Ala76Gly) in the CDKN2A (p14ARF) transcript. ClinVar contains an entry for this variant (Variation ID: 969307). An algorithm developed to predict the effect of missense changes on protein structure and function (PolyPhen-2) suggests that this variant is likely to be tolerated. In summary, the available evidence is currently insufficient to determine the role of this variant in disease. Therefore, it has been classified as a Variant of Uncertain Significance.